The following is an entry in ClinVar:

ClinVar aggregate classification (germline): Uncertain significance. Review status: criteria provided, multiple submitters, no conflicts (2 of 4 stars). 2 submissions from 2 submitters: Uncertain significance (2). Last evaluated 2023-08-28.

Conditions:
Combined oxidative phosphorylation defect type 17. Also called: Combined oxidative phosphorylation deficiency 17. Identifiers: Orphanet 369913, MedGen C3809526, MONDO:0014190, OMIM 615440.

Allele frequency attached by ClinVar (database versions not stated): TOPMed below 0.00001; gnomAD 0.00001; gnomAD exomes 0.00002; ExAC 0.00004; ESP Exome Variant Server 0.00008; 1000 Genomes Project 30x 0.00016; 1000 Genomes Project 0.00020.
gnomAD v4.1: 31 of 1,595,896 alleles (0.0019%); highest among the groups gnomAD compares: East Asian, 0.0045%; no homozygotes.

Submissions (2):

Blueprint Genetics
Classification: Uncertain significance. Last evaluated: 2023-08-28. Review status: criteria provided, single submitter. Criteria: ACMG Guidelines, 2015. Collection method: clinical testing. Allele origin: germline.

Labcorp Genetics (formerly Invitae), Labcorp
Classification: Uncertain significance for Combined oxidative phosphorylation defect type 17. Last evaluated: 2022-08-05. Review status: criteria provided, single submitter. Criteria: Invitae Variant Classification Sherloc (09022015). Collection method: clinical testing. Allele origin: germline.
Comment: This sequence change replaces alanine, which is neutral and non-polar, with threonine, which is neutral and polar, at codon 565 of the ELAC2 protein (p.Ala565Thr). This variant is present in population databases (rs370011511, gnomAD 0.01%). This variant has not been reported in the literature in individuals affected with ELAC2-related conditions. Algorithms developed to predict the effect of missense changes on protein structure and function are either unavailable or do not agree on the potential impact of this missense change (SIFT: "Tolerated"; PolyPhen-2: "Probably Damaging"; Align-GVGD: "Class C0"). In summary, the available evidence is currently insufficient to determine the role of this variant in disease. Therefore, it has been classified as a Variant of Uncertain Significance.

NM_018127.7(ELAC2):c.1693G>A (p.Ala565Thr)

Gene: ELAC2 (elaC ribonuclease Z 2; minus strand). Cytogenetic location: 17p12.
Variant type: single nucleotide variant.
Coding change: c.1693G>A on transcript NM_018127.7 (MANE Select); coding-DNA position 1693, G replaced by A.
Protein change: p.Ala565Thr; replaces alanine 565 with threonine.
Molecular consequence: missense variant.
Genome position (GRCh38, 1-based): chr17:12,995,945, C>T on the plus strand (G>A on the coding strand, the complement: ELAC2 is on the minus strand). VCF-style: chr17-12995945-C-T. GRCh37 (hg19) VCF-style: chr17-12899262-C-T.
Other names: c.1573G>A, p.Ala525Thr (NM_001165962.2); c.1690G>A, p.Ala564Thr (NM_173717.2); short protein forms A525T, A564T, A565T.
Identifiers: ClinVar variation 2188346 (VCV002188346.2), dbSNP rs370011511, ClinGen allele CA8401108.